The following is an entry in ClinVar:

ClinVar aggregate classification (germline): Pathogenic (1 of 4 stars; one submission).

Conditions:
Peroxisome biogenesis disorder 5A (Zellweger) (PBD5A). Identifiers: Orphanet 912, MedGen C3553940, MONDO:0013932, OMIM 614866.

Submission:

Labcorp Genetics (formerly Invitae), Labcorp
Classification: Pathogenic for Peroxisome biogenesis disorder 5A (Zellweger). Last evaluated: 2023-06-03. Review status: criteria provided, single submitter. Criteria: Invitae Variant Classification Sherloc (09022015). Collection method: clinical testing. Allele origin: germline.
Comment: For these reasons, this variant has been classified as Pathogenic. This variant has not been reported in the literature in individuals affected with PEX2-related conditions. A gross deletion of the genomic region encompassing the full coding sequence of the PEX2 gene has been identified. Loss-of-function variants in PEX2 are known to be pathogenic (PMID: 21031596). The boundaries of this event are unknown as they extend beyond the assayed region for this gene and therefore may encompass additional genes.

Literature cited by the submitters: PubMed 21031596.

NC_000008.10:g.(?_77895497)_(77896414_?)del

Gene: PEX2 (peroxisomal biogenesis factor 2; minus strand). Cytogenetic location: 8q21.11.
Variant type: Deletion.
Identifiers: ClinVar variation 2422870 (VCV002422870.4).